The following is an entry in ClinVar:

NM_004519.4(KCNQ3):c.*5018C>G

Gene: KCNQ3 (potassium voltage-gated channel subfamily Q member 3; minus strand). Cytogenetic location: 8q24.22.
Variant type: single nucleotide variant.
Coding change: c.*5018C>G on transcript NM_004519.4 (MANE Select); 5018 bases downstream of the stop codon, C replaced by G.
Molecular consequence: 3 prime UTR variant.
Genome position (GRCh38, 1-based): chr8:132,124,244, G>C on the plus strand (C>G on the coding strand, the complement: KCNQ3 is on the minus strand). VCF-style: chr8-132124244-G-C. GRCh37 (hg19) VCF-style: chr8-133136491-G-C.
Other names: c.*5018C>G (NM_001204824.2).
Identifiers: ClinVar variation 361796 (VCV000361796.6), dbSNP rs534993423, ClinGen allele CA10624739.

ClinVar aggregate classification (germline): Benign (1 of 4 stars; one submission).

Conditions:
Seizures, benign familial neonatal, 2. Also called: CONVULSIONS, BENIGN FAMILIAL NEONATAL, 2; KCNQ3-Related Self-Limited Familial Neonatal Epilepsy (SLFNE); Benign Neonatal Epilepsy 2; KCNQ3-Related Benign Familial Neonatal Epilepsy; Seizures, benign neonatal, 2. Identifiers: Orphanet 1949, MedGen C1852581, MONDO:0007366, OMIM 121201.

Allele frequency attached by ClinVar (database versions not stated): 1000 Genomes Project 0.00080; gnomAD 0.00029 and 0.00037; TOPMed 0.00039; 1000 Genomes Project 30x 0.00094.

Submission:

Illumina Laboratory Services, Illumina
Classification: Benign for Seizures, benign familial neonatal, 2. Last evaluated: 2018-01-13. Review status: criteria provided, single submitter. Criteria: ICSL Variant Classification Criteria 13 December 2019. Collection method: clinical testing. Allele origin: germline.
Comment: This variant was observed in the ICSL laboratory as part of a predisposition screen in an ostensibly healthy population. It had not been previously curated by ICSL or reported in the Human Gene Mutation Database (HGMD: prior to June 1st, 2018), and was therefore a candidate for classification through an automated scoring system. Utilizing variant allele frequency, disease prevalence and penetrance estimates, and inheritance mode, an automated score was calculated to assess if this variant is too frequent to cause the disease. Based on the score and internal cut-off values, a variant classified as benign is not then subjected to further curation. The score for this variant resulted in a classification of benign for this disease.